The following is an entry in ClinVar:

ClinVar aggregate classification (germline): Uncertain significance (1 of 4 stars; one submission).

Conditions:
Cardiovascular phenotype. Identifiers: MedGen CN230736.
Hereditary cancer-predisposing syndrome. Also called: Neoplastic Syndromes, Hereditary; Tumor predisposition; Hereditary Cancer Syndrome; Hereditary neoplastic syndrome. Identifiers: Orphanet 140162, MedGen C0027672, MeSH D009386, MONDO:0015356.

Submission:

Ambry Genetics
Classification: Uncertain significance for Cardiovascular phenotype; Hereditary cancer-predisposing syndrome. Last evaluated: 2025-10-01. Review status: criteria provided, single submitter. Criteria: Ambry Variant Classification Scheme 2023. Collection method: clinical testing. Allele origin: germline.
Comment: The p.N1631I variant (also known as c.4892A>T), located in coding exon 36 of the NF1 gene, results from an A to T substitution at nucleotide position 4892. The asparagine at codon 1631 is replaced by isoleucine, an amino acid with dissimilar properties. This amino acid position is conserved. In addition, the in silico prediction for this alteration is inconclusive. Based on the available evidence, the clinical significance of this variant remains unclear.

NM_001042492.3(NF1):c.4955A>T (p.Asn1652Ile)

Gene: NF1 (neurofibromin 1; plus strand). Cytogenetic location: 17q11.2.
Variant type: single nucleotide variant.
Coding change: c.4955A>T on transcript NM_001042492.3 (MANE Select); coding-DNA position 4955, A replaced by T.
Protein change: p.Asn1652Ile; replaces asparagine 1652 with isoleucine.
Molecular consequence: missense variant.
Genome position (GRCh38, 1-based): chr17:31,325,939, A>T. VCF-style: chr17-31325939-A-T. GRCh37 (hg19) VCF-style: chr17-29652957-A-T.
Other names: c.4892A>T, p.Asn1631Ile (NM_000267.4); short protein forms N1631I, N1652I.
Identifiers: ClinVar variation 4615742 (VCV004615742.1).